The following is an entry in ClinVar:

ClinVar aggregate classification (germline): Uncertain significance (1 of 4 stars; one submission).

gnomAD v4.1: 13 of 1,614,068 alleles (0.00081%); highest among the groups gnomAD compares: East Asian, 0.029%; no homozygotes.

Submission:

Labcorp Genetics (formerly Invitae), Labcorp
Classification: Uncertain significance. Last evaluated: 2025-08-31. Review status: criteria provided, single submitter. Criteria: Invitae Variant Classification Sherloc (09022015). Collection method: clinical testing. Allele origin: germline.
Comment: This sequence change replaces lysine, which is basic and polar, with arginine, which is basic and polar, at codon 127 of the GNB3 protein (p.Lys127Arg). This variant is present in population databases (no rsID available, gnomAD 0.006%). This variant has not been reported in the literature in individuals affected with GNB3-related conditions. Invitae Evidence Modeling of protein sequence and biophysical properties (such as structural, functional, and spatial information, amino acid conservation, physicochemical variation, residue mobility, and thermodynamic stability) indicates that this missense variant is not expected to disrupt GNB3 protein function with a negative predictive value of 80%. In summary, the available evidence is currently insufficient to determine the role of this variant in disease. Therefore, it has been classified as a Variant of Uncertain Significance.

NM_002075.4(GNB3):c.380A>G (p.Lys127Arg)

Gene: GNB3 (G protein subunit beta 3; plus strand). Cytogenetic location: 12p13.31.
Variant type: single nucleotide variant.
Coding change: c.380A>G on transcript NM_002075.4 (MANE Select); coding-DNA position 380, A replaced by G.
Protein change: p.Lys127Arg; replaces lysine 127 with arginine.
Molecular consequence: missense variant.
Genome position (GRCh38, 1-based): chr12:6,843,475, A>G. VCF-style: chr12-6843475-A-G. GRCh37 (hg19) VCF-style: chr12-6952639-A-G.
Other names: c.380A>G, p.Lys127Arg (NM_001297571.2); short protein forms K127R.
Identifiers: ClinVar variation 4774037 (VCV004774037.1).